The following is an entry in ClinVar:

NM_012199.5(AGO1):c.2512del (p.Gln838fs)

Gene: AGO1 (argonaute RISC component 1; plus strand). Cytogenetic location: 1p34.3.
Variant type: Deletion.
Coding change: c.2512del on transcript NM_012199.5 (MANE Select); coding-DNA position 2512, one base deleted (C; older notation c.2512delC).
Protein change: p.Gln838fs; shifts the reading frame from glutamine 838.
Molecular consequence: frameshift variant.
Genome position (GRCh38, 1-based): chr1:35,919,545, C deleted; the last of 5 consecutive C bases (chr1:35,919,541-35,919,545); deleting any one gives the same sequence. VCF-style (leftmost placement, unchanged base first): chr1-35919540-AC-A. GRCh37 (hg19) VCF-style: chr1-36385141-AC-A.
Other names: c.2512del, p.Gln838fs (NM_001317122.2); c.2287del, p.Gln763fs (NM_001317123.2); short protein forms Q763fs, Q838fs.
Identifiers: ClinVar variation 5009227 (VCV005009227.1).

ClinVar aggregate classification (germline): Uncertain significance (1 of 4 stars; one submission).

Submission:

GeneDx
Classification: Uncertain significance. Last evaluated: 2026-03-18. Review status: criteria provided, single submitter. Criteria: GeneDx Variant Classification Process June 2021. Collection method: clinical testing. Allele origin: germline.
Comment: Frameshift variant predicted to result in abnormal protein length as the last 20 amino acid(s) are replaced with 65 different amino acid(s); Not observed at significant frequency in large population cohorts (gnomAD); Has not been previously published as pathogenic or benign to our knowledge